The following is an entry in ClinVar:

ClinVar aggregate classification (germline): Uncertain significance (1 of 4 stars; one submission).

gnomAD v4.1: 1 of 1,613,404 alleles (0.000062%); highest among the groups gnomAD compares: South Asian, 0.0011%; no homozygotes.

Submission:

Labcorp Genetics (formerly Invitae), Labcorp
Classification: Uncertain significance. Last evaluated: 2025-06-23. Review status: criteria provided, single submitter. Criteria: Invitae Variant Classification Sherloc (09022015). Collection method: clinical testing. Allele origin: germline.
Comment: This sequence change replaces alanine, which is neutral and non-polar, with threonine, which is neutral and polar, at codon 157 of the MECOM protein (p.Ala157Thr). This variant is not present in population databases (gnomAD no frequency). This variant has not been reported in the literature in individuals affected with MECOM-related conditions. An algorithm developed to predict the effect of missense changes on protein structure and function (PolyPhen-2) suggests that this variant is likely to be disruptive. In summary, the available evidence is currently insufficient to determine the role of this variant in disease. Therefore, it has been classified as a Variant of Uncertain Significance.

NM_004991.4(MECOM):c.1033G>A (p.Ala345Thr)

Gene: MECOM (MDS1 and EVI1 complex locus; minus strand). Cytogenetic location: 3q26.2.
Variant type: single nucleotide variant.
Coding change: c.1033G>A on transcript NM_004991.4 (MANE Select); coding-DNA position 1033, G replaced by A.
Protein change: p.Ala345Thr; replaces alanine 345 with threonine.
Molecular consequence: missense variant.
Genome position (GRCh38, 1-based): chr3:169,121,155, C>T on the plus strand (G>A on the coding strand, the complement: MECOM is on the minus strand). VCF-style: chr3-169121155-C-T. GRCh37 (hg19) VCF-style: chr3-168838943-C-T.
Other names: c.664G>A, p.Ala222Thr (NM_001105077.4); c.469G>A, p.Ala157Thr (NM_001105078.4, NM_001164000.2, NM_001205194.2 and 5 more transcripts); c.472G>A, p.Ala158Thr (NM_001163999.2, NM_001366467.2, NM_001366468.2 and 1 more transcripts); c.1033G>A, p.Ala345Thr (NM_001366466.2, NM_001366473.2); short protein forms A157T, A345T, A158T, A222T.
Identifiers: ClinVar variation 4721798 (VCV004721798.1).
Genomic context (GRCh38, chr3:169,121,155, plus strand): 5'-GTTTGAGGCCCGACGAAGTGGCAAACGTTTTGCCACACTCCGGGCATGCATGGGCCCGGG[C>T]ACCGACATGCTGAGAGCGAATGTGCCGCTGAAGGTTGCTAGGGTCCGTGAAAACCTGCTA-3'
Protein context (NP_004982.2, residues 335-355): QRHIRSQHVG[Ala345Thr]RAHACPECGK